The following is an entry in ClinVar:

ClinVar aggregate classification (germline): Uncertain significance (1 of 4 stars; one submission).

Conditions:
Cardiovascular phenotype. Identifiers: MedGen CN230736.

Submission:

Ambry Genetics
Classification: Uncertain significance for Cardiovascular phenotype. Last evaluated: 2025-09-15. Review status: criteria provided, single submitter. Criteria: Ambry Variant Classification Scheme 2023. Collection method: clinical testing. Allele origin: germline.
Comment: The c.1072_1074delAGC variant (also known as p.S358del) is located in coding exon 5 of the GATA4 gene. This variant results from an in-frame AGC deletion at nucleotide positions 1072 to 1074. This results in the in-frame deletion of a serine at codon 358. This amino acid position is well conserved in available vertebrate species. In addition, this variant is predicted to be neutral by in silico analysis (Choi Y et al. PLoS ONE. 2012; 7(10):e46688). Based on the available evidence, the clinical significance of this variant remains unclear.

Literature cited by the submitters: PubMed 20739941.

NM_001308093.3(GATA4):c.1069AGC[2] (p.Ser359del)

Gene: GATA4 (GATA binding protein 4). Cytogenetic location: 8p23.1.
Variant type: Microsatellite.
Coding change: c.1069AGC[2] on transcript NM_001308093.3 (MANE Select); two copies in a row of the 3-base unit AGC starting at c.1069.
Protein change: p.Ser359del; deletes serine 359.
Molecular consequence: inframe deletion.
Genome position: GRCh38 VCF-style: chr8-11757001-CCAG-C. GRCh37 (hg19) VCF-style: chr8-11614510-CCAG-C.
Other names: c.448AGC[2], p.Ser152del (NM_001308094.2, NM_001374273.1); c.322AGC[2], p.Ser110del (NM_001374274.1); c.1066AGC[2], p.Ser358del (NM_002052.5); short protein forms S359del, S110del, S358del, S152del.
Identifiers: ClinVar variation 4614229 (VCV004614229.1).